The following is an entry in ClinVar:

ClinVar aggregate classification (germline): Benign. Review status: criteria provided, multiple submitters, no conflicts (2 of 4 stars). 7 submissions from 6 submitters: Benign (6). 1 of the submissions does not count toward it. Last evaluated 2026-02-02.

Conditions:
Combined immunodeficiency with skin granulomas. Identifiers: Orphanet 157949, MedGen C2673536, MONDO:0009306, OMIM 233650.
Severe combined immunodeficiency, autosomal recessive, T cell-negative, B cell-negative, NK cell-positive. Also called: Severe combined immunodeficiency due to complete RAG1/2 deficiency; SCID, T CELL-NEGATIVE, B CELL-NEGATIVE, NK CELL-POSITIVE; SCID, AR, T-cell negative, B-cell negative, NK cell-positive. Identifiers: Orphanet 331206, MedGen C1832322, MONDO:0011086, OMIM 601457.
Histiocytic medullary reticulosis. Also called: SEVERE COMBINED IMMUNODEFICIENCY WITH HYPEREOSINOPHILIA; Omenn syndrome. Identifiers: Orphanet 39041, MedGen C2700553, MONDO:0011338, OMIM 603554.

Allele frequency attached by ClinVar (database versions not stated): gnomAD exomes 0.00479; ExAC 0.00580; gnomAD 0.01778 and 0.01926; 1000 Genomes Project 0.01857; 1000 Genomes Project 30x 0.01936; TOPMed 0.01950; ESP Exome Variant Server 0.02092.

Submissions (7):

Labcorp Genetics (formerly Invitae), Labcorp
Classification: Benign for Combined immunodeficiency with skin granulomas; Severe combined immunodeficiency, autosomal recessive, T cell-negative, B cell-negative, NK cell-positive. Last evaluated: 2026-02-02. Review status: criteria provided, single submitter. Criteria: Invitae Variant Classification Sherloc (09022015). Collection method: clinical testing. Allele origin: germline.

Mayo Clinic Laboratories, Mayo Clinic
Classification: Benign. Last evaluated: 2019-08-26. Review status: criteria provided, single submitter. Criteria: ACMG Guidelines, 2015. Collection method: clinical testing. Allele origin: germline. Observed: 11 variant alleles.

Illumina Laboratory Services, Illumina
Classification: Benign for Severe combined immunodeficiency, autosomal recessive, T cell-negative, B cell-negative, NK cell-positive. Last evaluated: 2018-01-13. Review status: criteria provided, single submitter. Criteria: ICSL Variant Classification Criteria 13 December 2019. Collection method: clinical testing. Allele origin: germline.
Comment: This variant was observed in the ICSL laboratory as part of a predisposition screen in an ostensibly healthy population. It had not been previously curated by ICSL or reported in the Human Gene Mutation Database (HGMD: prior to June 1st, 2018), and was therefore a candidate for classification through an automated scoring system. Utilizing variant allele frequency, disease prevalence and penetrance estimates, and inheritance mode, an automated score was calculated to assess if this variant is too frequent to cause the disease. Based on the score and internal cut-off values, a variant classified as benign is not then subjected to further curation. The score for this variant resulted in a classification of benign for this disease.

Illumina Laboratory Services, Illumina
Classification: Benign for Histiocytic medullary reticulosis. Last evaluated: 2018-01-13. Review status: criteria provided, single submitter. Criteria: ICSL Variant Classification Criteria 13 December 2019. Collection method: clinical testing. Allele origin: germline.
Comment: the same text as in the submission from Illumina Laboratory Services, Illumina above.

GeneDx
Classification: Benign. Last evaluated: 2013-12-18. Review status: criteria provided, single submitter. Criteria: GeneDx Variant Classification (06012015). Collection method: clinical testing. Allele origin: germline. Affected: yes.
Comment: This variant is considered likely benign or benign based on one or more of the following criteria: it is a conservative change, it occurs at a poorly conserved position in the protein, it is predicted to be benign by multiple in silico algorithms, and/or has population frequency not consistent with disease.

Breakthrough Genomics
Classification: Benign. Review status: criteria provided, single submitter. Criteria: ACMG Guidelines, 2015. Collection method: not provided. Allele origin: germline. Inheritance: Autosomal recessive inheritance. Affected: yes.

Natera, Inc.
Classification: Benign for Omenn syndrome. Last evaluated: 2020-09-16. Review status: no assertion criteria provided. Collection method: clinical testing. Allele origin: germline. Not counted in ClinVar's aggregate classification.

NM_000536.4(RAG2):c.741G>A (p.Val247=)

Gene: RAG2 (recombination activating 2; minus strand). Cytogenetic location: 11p12.
Variant type: single nucleotide variant.
Coding change: c.741G>A on transcript NM_000536.4 (MANE Select); coding-DNA position 741, G replaced by A.
Protein change: p.Val247=; no amino-acid change (valine 247 retained).
Molecular consequence: synonymous variant.
Genome position (GRCh38, 1-based): chr11:36,593,428, C>T on the plus strand (G>A on the coding strand, the complement: RAG2 is on the minus strand). VCF-style: chr11-36593428-C-T. GRCh37 (hg19) VCF-style: chr11-36614978-C-T.
Other names: p.V247V:GTG>GTA; p.Val247=; c.741G>A, p.Val247= (NM_001243785.2, NM_001243786.2).
Identifiers: ClinVar variation 138886 (VCV000138886.18), dbSNP rs34092949, ClinGen allele CA293058.